The following is an entry in ClinVar:

NM_000258.3(MYL3):c.211A>T (p.Ile71Phe)

Gene: MYL3 (myosin light chain 3; minus strand). Cytogenetic location: 3p21.31.
Variant type: single nucleotide variant.
Coding change: c.211A>T on transcript NM_000258.3 (MANE Select); coding-DNA position 211, A replaced by T.
Protein change: p.Ile71Phe; replaces isoleucine 71 with phenylalanine.
Molecular consequence: missense variant.
Genome position (GRCh38, 1-based): chr3:46,860,772, T>A on the plus strand (A>T on the coding strand, the complement: MYL3 is on the minus strand). VCF-style: chr3-46860772-T-A. GRCh37 (hg19) VCF-style: chr3-46902262-T-A.
Other names: c.211A>T, p.Ile71Phe (NM_001406937.1, NM_001406938.1, NM_001406939.1); c.37A>T, p.Ile13Phe (NM_001406940.1, NM_001406941.1); short protein forms I13F, I71F.
Identifiers: ClinVar variation 1786217 (VCV001786217.3), dbSNP rs1381077316, ClinGen allele CA352498415.

ClinVar aggregate classification (germline): Uncertain significance. Review status: criteria provided, multiple submitters, no conflicts (2 of 4 stars). 2 submissions from 2 submitters: Uncertain significance (2). Last evaluated 2022-07-14.

Conditions:
Cardiovascular phenotype. Identifiers: MedGen CN230736.

Allele frequency attached by ClinVar (database versions not stated): gnomAD exomes below 0.00001; TOPMed below 0.00001; gnomAD 0.00001.
gnomAD v4.1: 2 of 1,614,016 alleles (0.00012%); highest among the groups gnomAD compares: Non-Finnish European, 0.00017%; no homozygotes.

Submissions (2):

GeneDx
Classification: Uncertain significance. Last evaluated: 2022-07-14. Review status: criteria provided, single submitter. Criteria: GeneDx Variant Classification Process June 2021. Collection method: clinical testing. Allele origin: germline. Affected: yes.
Comment: Not observed at significant frequency in large population cohorts (gnomAD); In silico analysis supports that this missense variant has a deleterious effect on protein structure/function; Has not been previously published as pathogenic or benign to our knowledge

Ambry Genetics
Classification: Uncertain significance for Cardiovascular phenotype. Last evaluated: 2022-07-11. Review status: criteria provided, single submitter. Criteria: Ambry Variant Classification Scheme 2023. Collection method: clinical testing. Allele origin: germline.
Comment: The p.I71F variant (also known as c.211A>T), located in coding exon 3 of the MYL3 gene, results from an A to T substitution at nucleotide position 211. The isoleucine at codon 71 is replaced by phenylalanine, an amino acid with highly similar properties. This amino acid position is conserved. In addition, this alteration is predicted to be deleterious by in silico analysis. Since supporting evidence is limited at this time, the clinical significance of this alteration remains unclear.